The following is an entry in ClinVar:

ClinVar aggregate classification (germline): Uncertain significance (1 of 4 stars; one submission).

gnomAD v4.1: 3 of 1,613,528 alleles (0.00019%); highest among the groups gnomAD compares: East Asian, 0.0045%; no homozygotes.

Submission:

Labcorp Genetics (formerly Invitae), Labcorp
Classification: Uncertain significance. Last evaluated: 2025-04-11. Review status: criteria provided, single submitter. Criteria: Invitae Variant Classification Sherloc (09022015). Collection method: clinical testing. Allele origin: germline.
Comment: This sequence change replaces tyrosine, which is neutral and polar, with cysteine, which is neutral and slightly polar, at codon 39 of the PMPCA protein (p.Tyr39Cys). This variant is present in population databases (rs201851161, gnomAD 0.01%). This variant has not been reported in the literature in individuals affected with PMPCA-related conditions. An algorithm developed to predict the effect of missense changes on protein structure and function outputs the following: PolyPhen-2: "Benign". The cysteine amino acid residue is found in multiple mammalian species, which suggests that this missense change does not adversely affect protein function. In summary, the available evidence is currently insufficient to determine the role of this variant in disease. Therefore, it has been classified as a Variant of Uncertain Significance.

NM_015160.3(PMPCA):c.116A>G (p.Tyr39Cys)

Gene: PMPCA (peptidase, mitochondrial processing subunit alpha; plus strand). Cytogenetic location: 9q34.3.
Variant type: single nucleotide variant.
Coding change: c.116A>G on transcript NM_015160.3 (MANE Select); coding-DNA position 116, A replaced by G.
Protein change: p.Tyr39Cys; replaces tyrosine 39 with cysteine.
Molecular consequence: missense variant. On other transcripts: 5 prime UTR variant (2).
Genome position (GRCh38, 1-based): chr9:136,412,041, A>G. VCF-style: chr9-136412041-A-G. GRCh37 (hg19) VCF-style: chr9-139306493-A-G.
Other names: c.-183A>G (NM_001282944.2, NM_001282946.2); short protein forms Y39C.
Identifiers: ClinVar variation 4767750 (VCV004767750.1).
Genomic context (GRCh38, chr9:136,412,041, plus strand): 5'-GCTTTCTCTGTTTTAGGTTTGGACCTCCTGCGTACAGACGGTTTAGTAGTGGTGGTGCCT[A>G]TCCCAACATCCCCCTCTCTTCTCCCTTACCTGGAGTACCCAAGCCTGTTTTTGCTACAGT-3'
Protein context (NP_055975.1, residues 29-49): AYRRFSSGGA[Tyr39Cys]PNIPLSSPLP